The following is an entry in ClinVar:

NM_004612.4(TGFBR1):c.97+2_97+35dup

Gene: TGFBR1 (transforming growth factor beta receptor 1; plus strand). Cytogenetic location: 9q22.33.
Variant type: Duplication.
Coding change: c.97+2_97+35dup on transcript NM_004612.4 (MANE Select); the canonical splice donor site of the intron after coding-DNA position 97 through 35 bases into the intron after coding-DNA position 97, 34 bases duplicated.
Molecular consequence: splice donor variant.
Genome position (GRCh38, 1-based): chr9:99,105,304-99,105,337, 34 bases duplicated; duplicating any 34 consecutive bases within chr9:99,105,301-99,105,337 gives the same sequence; the c. name uses the placement nearest the transcript's 3' end. GRCh37 (hg19): chr9:101,867,586-101,867,619.
Other names: c.97+2_97+35dup (NM_001306210.2, NM_001130916.3).
Identifiers: ClinVar variation 2012888 (VCV002012888.4), dbSNP rs2490933846, ClinGen allele CA2580080830.

ClinVar aggregate classification (germline): Uncertain significance (1 of 4 stars; one submission).

Conditions:
Familial thoracic aortic aneurysm and aortic dissection (TAAD). Also called: Thoracic aortic aneurysms and dissections. Identifiers: Orphanet 91387, MedGen C4707243, MONDO:0019625.

Submission:

Labcorp Genetics (formerly Invitae), Labcorp
Classification: Uncertain significance for Familial thoracic aortic aneurysm and aortic dissection. Last evaluated: 2022-07-01. Review status: criteria provided, single submitter. Criteria: Invitae Variant Classification Sherloc (09022015). Collection method: clinical testing. Allele origin: germline.
Comment: In summary, the available evidence is currently insufficient to determine the role of this variant in disease. Therefore, it has been classified as a Variant of Uncertain Significance. Algorithms developed to predict the effect of sequence changes on RNA splicing suggest that this variant may disrupt the consensus splice site. This variant has not been reported in the literature in individuals affected with TGFBR1-related conditions. The frequency data for this variant in the population databases is considered unreliable, as metrics indicate insufficient coverage at this position in the gnomAD database. This sequence change falls in intron 1 of the TGFBR1 gene. It does not directly change the encoded amino acid sequence of the TGFBR1 protein.